The following is an entry in ClinVar:

ClinVar aggregate classification (germline): Uncertain significance (1 of 4 stars; one submission).

Submission:

CeGaT Center for Human Genetics Tuebingen
Classification: Uncertain significance. Last evaluated: 2022-10-01. Review status: criteria provided, single submitter. Criteria: CeGaT Center For Human Genetics Tuebingen Variant Classification Criteria Version 2. Collection method: clinical testing. Allele origin: germline. Affected: yes. Observed: 1 variant allele.
Comment: SAMD9L: PM2

NM_152703.5(SAMD9L):c.694del (p.Arg232fs)

Gene: SAMD9L (sterile alpha motif domain containing 9 like; minus strand). Cytogenetic location: 7q21.2.
Variant type: Deletion.
Coding change: c.694del on transcript NM_152703.5 (MANE Select); coding-DNA position 694, one base deleted (C; older notation c.694delC).
Protein change: p.Arg232fs; shifts the reading frame from arginine 232.
Molecular consequence: frameshift variant.
Genome position (GRCh38, 1-based): chr7:93,135,278, G deleted on the plus strand (C on the coding strand, the reverse complement: SAMD9L is on the minus strand). VCF-style (leftmost placement, unchanged base first): chr7-93135277-CG-C. GRCh37 (hg19) VCF-style: chr7-92764590-CG-C.
Other names: c.694del, p.Arg232fs (NM_001303496.3, NM_001303497.3, NM_001303498.3 and 5 more transcripts); short protein forms R232fs.
Identifiers: ClinVar variation 2657677 (VCV002657677.24), dbSNP rs2535435395, ClinGen allele CA2695199579.
Genomic context (GRCh38, chr7:93,135,277, plus strand): 5'-ACACCAACAATTTCTCCATGGGGTTTGTCCTTGACTCCAAAATGGATGGTGCCATTGGTG[CG>C]TGAATTCATACAAGCTGATGCAAATCGGAAGACTTCATTGCTGAATTTCATCTTAATGTC-3'